The following is an entry in ClinVar:

NM_012233.3(RAB3GAP1):c.722A>G (p.Gln241Arg)

Gene: RAB3GAP1 (RAB3 GTPase activating protein catalytic subunit 1; plus strand). Cytogenetic location: 2q21.3.
Variant type: single nucleotide variant.
Coding change: c.722A>G on transcript NM_012233.3 (MANE Select); coding-DNA position 722, A replaced by G.
Protein change: p.Gln241Arg; replaces glutamine 241 with arginine.
Molecular consequence: missense variant.
Genome position (GRCh38, 1-based): chr2:135,120,892, A>G. VCF-style: chr2-135120892-A-G. GRCh37 (hg19) VCF-style: chr2-135878462-A-G.
Other names: c.722A>G (NM_001172435.1); c.722A>G, p.Gln241Arg (NM_001172435.2); short protein forms Q241R.
Identifiers: ClinVar variation 2219476 (VCV002219476.4), dbSNP rs1005887514, ClinGen allele CA56572692.
Genomic context (GRCh38, chr2:135,120,892, plus strand): 5'-CTCCATTGCCTCCAGTTAGTATTGCTATTCGATTTACCTATGTACTTCAAGATTGGCAGC[A>G]GTATTTTTGGCCTCAGCAACCTCCAGGTGAGATCATTTAGAACTATATTTAACTTACTGA-3'
Protein context (NP_036365.1, residues 231-251): RFTYVLQDWQ[Gln241Arg]YFWPQQPPDI

ClinVar aggregate classification (germline): Uncertain significance. Review status: criteria provided, multiple submitters, no conflicts (2 of 4 stars). 2 submissions from 2 submitters: Uncertain significance (2). Last evaluated 2025-08-21.

Conditions:
Inborn genetic diseases. Identifiers: MedGen C0950123, MeSH D030342.

Allele frequency attached by ClinVar (database versions not stated): gnomAD 0.00001; TOPMed 0.00001; gnomAD exomes 0.00002.
gnomAD v4.1: 11 of 1,612,312 alleles (0.00068%); highest among the groups gnomAD compares: African/African-American, 0.0013%; no homozygotes.

Submissions (2):

Athena Diagnostics
Classification: Uncertain significance. Last evaluated: 2025-08-21. Review status: criteria provided, single submitter. Criteria: Athena Diagnostics Criteria. Collection method: clinical testing. Allele origin: unknown.
Comment: Available data are insufficient to determine the clinical significance of the variant at this time. The frequency of this variant in the general population is uninformative in assessment of its pathogenicity. Polyphen and MutationTaster yielded discordant predictions regarding whether this amino acid change is damaging to the protein.

Ambry Genetics
Classification: Uncertain significance for Inborn genetic diseases. Last evaluated: 2022-10-25. Review status: criteria provided, single submitter. Criteria: Ambry Variant Classification Scheme 2023. Collection method: clinical testing. Allele origin: germline.